The following is an entry in ClinVar:

ClinVar aggregate classification (germline): Likely benign. Review status: criteria provided, single submitter (1 of 4 stars). 2 submissions from 2 submitters: Likely benign (1). 1 of the submissions does not count toward it. Last evaluated 2022-02-17.

Conditions:
H1-4-related disorder. Also called: H1-4-related condition.

Allele frequency attached by ClinVar (database versions not stated): gnomAD exomes 0.00002; ExAC 0.00006; ESP Exome Variant Server 0.00015; 1000 Genomes Project 30x 0.00016; TOPMed 0.00031.
gnomAD v4.1: 69 of 1,611,160 alleles (0.0043%); highest among the groups gnomAD compares: African/African-American, 0.048%; no homozygotes.

Submissions (2):

Ambry Genetics
Classification: Likely benign. Last evaluated: 2022-02-17. Review status: criteria provided, single submitter. Criteria: Ambry Variant Classification Scheme 2023. Collection method: clinical testing. Allele origin: germline.

PreventionGenetics, part of Exact Sciences
Classification: Likely benign for H1-4-related condition. Last evaluated: 2024-06-25. Review status: no assertion criteria provided. Collection method: clinical testing. Allele origin: germline. Not counted in ClinVar's aggregate classification.
Comment: This variant is classified as likely benign based on ACMG/AMP sequence variant interpretation guidelines (Richards et al. 2015 PMID: 25741868, with internal and published modifications).

NM_005321.3(H1-4):c.533C>T (p.Ala178Val)

Gene: H1-4 (H1.4 linker histone, cluster member; plus strand). Cytogenetic location: 6p22.2.
Variant type: single nucleotide variant.
Coding change: c.533C>T on transcript NM_005321.3 (MANE Select); coding-DNA position 533, C replaced by T.
Protein change: p.Ala178Val; replaces alanine 178 with valine.
Molecular consequence: missense variant.
Genome position (GRCh38, 1-based): chr6:26,156,923, C>T. VCF-style: chr6-26156923-C-T. GRCh37 (hg19) VCF-style: chr6-26157151-C-T.
Other names: short protein forms A178V.
Identifiers: ClinVar variation 3103569 (VCV003103569.2), dbSNP rs368598196, ClinGen allele CA3668190.